The following is an entry in ClinVar:

NM_006659.4(TUBGCP2):c.1243C>T (p.Arg415Trp)

Gene: TUBGCP2 (tubulin gamma complex component 2; minus strand). Cytogenetic location: 10q26.3.
Variant type: single nucleotide variant.
Coding change: c.1243C>T on transcript NM_006659.4 (MANE Select); coding-DNA position 1243, C replaced by T.
Protein change: p.Arg415Trp; replaces arginine 415 with tryptophan.
Molecular consequence: missense variant. On other transcripts: non-coding transcript variant (1).
Genome position (GRCh38, 1-based): chr10:133,289,941, G>A on the plus strand (C>T on the coding strand, the complement: TUBGCP2 is on the minus strand). VCF-style: chr10-133289941-G-A. GRCh37 (hg19) VCF-style: chr10-135103445-G-A.
Other names: c.1327C>T, p.Arg443Trp (NM_001256617.2); c.853C>T, p.Arg285Trp (NM_001256618.2); short protein forms R285W, R415W, R443W.
Identifiers: ClinVar variation 2442624 (VCV002442624.1), dbSNP rs769773225, ClinGen allele CA5764078.

ClinVar aggregate classification (germline): Uncertain significance (1 of 4 stars; one submission).

Allele frequency attached by ClinVar (database versions not stated): gnomAD exomes below 0.00001; gnomAD 0.00001; ExAC 0.00002.

Submission:

GeneDx
Classification: Uncertain significance. Last evaluated: 2022-09-02. Review status: criteria provided, single submitter. Criteria: GeneDx Variant Classification Process June 2021. Collection method: clinical testing. Allele origin: germline. Affected: yes.
Comment: In silico analysis supports that this missense variant has a deleterious effect on protein structure/function; Has not been previously published as pathogenic or benign to our knowledge